The following is an entry in ClinVar:

NM_001003800.2(BICD2):c.1163C>A (p.Thr388Asn)

Gene: BICD2 (BICD cargo adaptor 2; minus strand). Cytogenetic location: 9q22.31.
Variant type: single nucleotide variant.
Coding change: c.1163C>A on transcript NM_001003800.2 (MANE Select); coding-DNA position 1163, C replaced by A.
Protein change: p.Thr388Asn; replaces threonine 388 with asparagine.
Molecular consequence: missense variant.
Genome position (GRCh38, 1-based): chr9:92,719,482, G>T on the plus strand (C>A on the coding strand, the complement: BICD2 is on the minus strand). VCF-style: chr9-92719482-G-T. GRCh37 (hg19) VCF-style: chr9-95481764-G-T.
Other names: c.1163C>A, p.Thr388Asn (NM_015250.4); short protein forms T388N.
Identifiers: ClinVar variation 4717540 (VCV004717540.1).

ClinVar aggregate classification (germline): Uncertain significance (1 of 4 stars; one submission).

Conditions:
Autosomal dominant childhood-onset proximal spinal muscular atrophy with contractures (SMALED2A). Also called: Spinal muscular atrophy, lower extremity-predominant, 2A, autosomal dominant; SPINAL MUSCULAR ATROPHY, LOWER EXTREMITY-PREDOMINANT, 2A, CHILDHOOD ONSET, AUTOSOMAL DOMINANT. Identifiers: Orphanet 363447, Orphanet 363454, MedGen C4747715, MONDO:0014121, OMIM 615290.

gnomAD v4.1: 2 of 1,613,940 alleles (0.00012%); highest among the groups gnomAD compares: Admixed American, 0.0017%; no homozygotes.

Submission:

Labcorp Genetics (formerly Invitae), Labcorp
Classification: Uncertain significance for Autosomal dominant childhood-onset proximal spinal muscular atrophy with contractures. Last evaluated: 2025-11-17. Review status: criteria provided, single submitter. Criteria: Invitae Variant Classification Sherloc (09022015). Collection method: clinical testing. Allele origin: germline.
Comment: This sequence change replaces threonine, which is neutral and polar, with asparagine, which is neutral and polar, at codon 388 of the BICD2 protein (p.Thr388Asn). This variant is not present in population databases (gnomAD no frequency). This variant has not been reported in the literature in individuals affected with BICD2-related conditions. Invitae Evidence Modeling of protein sequence and biophysical properties (such as structural, functional, and spatial information, amino acid conservation, physicochemical variation, residue mobility, and thermodynamic stability) indicates that this missense variant is not expected to disrupt BICD2 protein function with a negative predictive value of 80%. In summary, the available evidence is currently insufficient to determine the role of this variant in disease. Therefore, it has been classified as a Variant of Uncertain Significance.